The following is an entry in ClinVar:

NM_000497.4(CYP11B1):c.396-1G>A

Genes: CYP11B1 (cytochrome P450 family 11 subfamily B member 1; minus strand), LOC106799833 (CYP11B1 recombination region; plus strand). Cytogenetic location: 8q24.3.
Variant type: single nucleotide variant.
Coding change: c.396-1G>A on transcript NM_000497.4 (MANE Select); the canonical splice acceptor site of the intron before coding-DNA position 396, G replaced by A.
Molecular consequence: splice acceptor variant.
Genome position (GRCh38, 1-based): chr8:142,877,223, C>T on the plus strand (G>A on the coding strand, the complement: CYP11B1 is on the minus strand). VCF-style: chr8-142877223-C-T. GRCh37 (hg19) VCF-style: chr8-143958639-C-T.
Other names: c.396-1G>A (NM_001026213.1).
Identifiers: ClinVar variation 2136710 (VCV002136710.8), dbSNP rs141305721, ClinGen allele CA4905450.

ClinVar aggregate classification (germline): Pathogenic/Likely pathogenic. Review status: criteria provided, multiple submitters, no conflicts (2 of 4 stars). 4 submissions from 4 submitters: Pathogenic (2); Likely pathogenic (2). Last evaluated 2025-08-11.

Conditions:
Deficiency of steroid 11-beta-monooxygenase (CYP11B1). Also called: ADRENAL HYPERPLASIA, CONGENITAL, DUE TO STEROID 11-BETA-HYDROXYLASE DEFICIENCY; 11-BETA-HYDROXYLASE DEFICIENCY; P450C11B1 DEFICIENCY; STEROID 11-BETA-HYDROXYLASE DEFICIENCY; Congenital adrenal hyperplasia due to 11-beta-hydroxylase deficiency; ADRENAL HYPERPLASIA IV. Identifiers: Orphanet 90795, MedGen C0268292, MONDO:0008729, OMIM 202010. Disease mechanism: loss of function.
Glucocorticoid-remediable aldosteronism. Also called: FH I; GLUCOCORTICOID-SUPPRESSIBLE HYPERALDOSTERONISM; Hyperaldosteronism, familial, type I; ACTH-DEPENDENT HYPERALDOSTERONISM SYNDROME; ALDOSTERONISM, SENSITIVE TO DEXAMETHASONE. Identifiers: Orphanet 403, MedGen C3838731, MONDO:0007080, OMIM 103900.

Allele frequency attached by ClinVar (database versions not stated): gnomAD exomes below 0.00001; ExAC 0.00001; ESP Exome Variant Server 0.00008.
gnomAD v4.1: 2 of 1,611,228 alleles (0.00012%); highest among the groups gnomAD compares: Non-Finnish European, 0.00017%; no homozygotes.

Submissions (4):

Labcorp Genetics (formerly Invitae), Labcorp
Classification: Likely pathogenic. Last evaluated: 2025-08-11. Review status: criteria provided, single submitter. Criteria: Invitae Variant Classification Sherloc (09022015). Collection method: clinical testing. Allele origin: germline.
Comment: This sequence change affects an acceptor splice site in intron 2 of the CYP11B1 gene. It is expected to disrupt RNA splicing. Variants that disrupt the donor or acceptor splice site typically lead to a loss of protein function (PMID: 16199547), and loss-of-function variants in CYP11B1 are known to be pathogenic (PMID: 8506298, 26476331). The frequency data for this variant in the population databases is considered unreliable, as metrics indicate poor data quality at this position in the gnomAD database. Disruption of this splice site has been observed in individual(s) with autosomal recessive 11b-hydroxylase deficiency (PMID: 25911436). This variant is also known as IVS2-1G>A. ClinVar contains an entry for this variant (Variation ID: 2136710). Algorithms developed to predict the effect of sequence changes on RNA splicing suggest that this variant may disrupt the consensus splice site. In summary, the currently available evidence indicates that the variant is pathogenic, but additional data are needed to prove that conclusively. Therefore, this variant has been classified as Likely Pathogenic.

Fulgent Genetics
Classification: Likely pathogenic for Glucocorticoid-remediable aldosteronism; Deficiency of steroid 11-beta-monooxygenase. Last evaluated: 2024-06-14. Review status: criteria provided, single submitter. Criteria: ACMG Guidelines, 2015. Collection method: clinical testing. Allele origin: germline.

Baylor Genetics
Classification: Pathogenic for Deficiency of steroid 11-beta-monooxygenase. Last evaluated: 2023-11-11. Review status: criteria provided, single submitter. Criteria: ACMG Guidelines, 2015. Collection method: clinical testing. Allele origin: unknown.

Juno Genomics, Hangzhou Juno Genomics, Inc
Classification: Pathogenic for Deficiency of steroid 11-beta-monooxygenase. Review status: criteria provided, single submitter. Criteria: ACMG Guidelines, 2015. Collection method: clinical testing. Allele origin: germline.
Comment: Absent from controls (or at extremely low frequency if recessive) in Genome Aggregation Database.;Null variant in a gene where loss of function (LOF) is a known mechanism of disease.;For recessive disorders, detected in trans with a pathogenic variant.;Patient's phenotype or family history is highly specific for a disease with a single genetic etiology.

Literature cited by the submitters: PubMed 16199547 (cited by Labcorp Genetics (formerly Invitae), Labcorp); PubMed 8506298 (cited by Labcorp Genetics (formerly Invitae), Labcorp); PubMed 26476331 (cited by Labcorp Genetics (formerly Invitae), Labcorp); PubMed 25911436 (cited by Labcorp Genetics (formerly Invitae), Labcorp).